The following is an entry in ClinVar:

ClinVar aggregate classification (germline): Uncertain significance (1 of 4 stars; one submission).

Conditions:
Hereditary cancer-predisposing syndrome. Also called: Neoplastic Syndromes, Hereditary; Tumor predisposition; Hereditary neoplastic syndrome; Hereditary Cancer Syndrome. Identifiers: Orphanet 140162, MedGen C0027672, MeSH D009386, MONDO:0015356.

Submission:

Ambry Genetics
Classification: Uncertain significance for Hereditary cancer-predisposing syndrome. Last evaluated: 2025-11-15. Review status: criteria provided, single submitter. Criteria: Ambry Variant Classification Scheme 2023. Collection method: clinical testing. Allele origin: germline.
Comment: The p.V501A variant (also known as c.1502T>C), located in coding exon 6 of the BLM gene, results from a T to C substitution at nucleotide position 1502. The valine at codon 501 is replaced by alanine, an amino acid with similar properties. This amino acid position is well conserved in available vertebrate species. In addition, this alteration is predicted to be tolerated by in silico analysis. Since supporting evidence is limited at this time, the clinical significance of this alteration remains unclear.

NM_000057.4(BLM):c.1502T>C (p.Val501Ala)

Gene: BLM (BLM RecQ like helicase; plus strand). Cytogenetic location: 15q26.1.
Variant type: single nucleotide variant.
Coding change: c.1502T>C on transcript NM_000057.4 (MANE Select); coding-DNA position 1502, T replaced by C.
Protein change: p.Val501Ala; replaces valine 501 with alanine.
Molecular consequence: missense variant.
Genome position (GRCh38, 1-based): chr15:90,760,875, T>C. VCF-style: chr15-90760875-T-C. GRCh37 (hg19) VCF-style: chr15-91304105-T-C.
Other names: c.1502T>C, p.Val501Ala (NM_001287246.2, NM_001287247.2); c.377T>C, p.Val126Ala (NM_001287248.2); short protein forms V126A, V501A.
Identifiers: ClinVar variation 2452525 (VCV002452525.3), dbSNP rs1247170438, ClinGen allele CA393843198.
Genomic context (GRCh38, chr15:90,760,875, plus strand): 5'-CCACCAGGAAGAATCTTTTTGAAAGGCCTTTATTCAATACCCATTTACAGAAGTCCTTTG[T>C]AAGTAGCAACTGGGCTGAAACACCAAGACTAGGAAAAAAAAATGAAAGCTCTTATTTCCC-3'
Protein context (NP_000048.1, residues 491-511): LFNTHLQKSF[Val501Ala]SSNWAETPRL